The following is an entry in ClinVar:

ClinVar aggregate classification (germline): Uncertain significance (1 of 4 stars; one submission).

Submission:

CeGaT Center for Human Genetics Tuebingen
Classification: Uncertain significance. Last evaluated: 2026-08-01. Review status: criteria provided, single submitter. Criteria: CeGaT Center For Human Genetics Tuebingen Variant Classification Criteria Version 2. Collection method: clinical testing. Allele origin: germline. Affected: yes. Observed: 1 variant allele.
Comment: FARS2: PM2

NM_006567.5(FARS2):c.-23G>A

Gene: FARS2 (phenylalanyl-tRNA synthetase 2, mitochondrial; plus strand). Cytogenetic location: 6p25.1.
Variant type: single nucleotide variant.
Coding change: c.-23G>A on transcript NM_006567.5 (MANE Select); 23 bases upstream of the start codon, G replaced by A.
Molecular consequence: 5 prime UTR variant. On other transcripts: intron variant (2).
Genome position (GRCh38, 1-based): chr6:5,261,659, G>A. VCF-style: chr6-5261659-G-A. GRCh37 (hg19) VCF-style: chr6-5261892-G-A.
Other names: c.-481G>A (NM_001374875.1); c.-87G>A (NM_001374876.1); c.-545G>A (NM_001374877.1); c.-112G>A (NM_001374879.1); c.-105G>A (NM_001375257.1); c.-23G>A (NM_001375258.1); c.-86G>A (NM_001375259.1); c.-342G>A (NM_001375260.1); and 2 more.
Identifiers: ClinVar variation 5039952 (VCV005039952.1).